The following is an entry in ClinVar:

NM_024675.4(PALB2):c.735G>A (p.Ala245=)

Gene: PALB2 (partner and localizer of BRCA2; minus strand). Cytogenetic location: 16p12.2.
Variant type: single nucleotide variant.
Coding change: c.735G>A on transcript NM_024675.4 (MANE Select); coding-DNA position 735, G replaced by A.
Protein change: p.Ala245=; no amino-acid change (alanine 245 retained).
Molecular consequence: synonymous variant.
Genome position (GRCh38, 1-based): chr16:23,635,811, C>T on the plus strand (G>A on the coding strand, the complement: PALB2 is on the minus strand). VCF-style: chr16-23635811-C-T. GRCh37 (hg19) VCF-style: chr16-23647132-C-T.
Identifiers: ClinVar variation 215938 (VCV000215938.24), dbSNP rs371612049, ClinGen allele CA338332.

ClinVar aggregate classification (germline): Benign/Likely benign. Review status: criteria provided, multiple submitters, no conflicts (2 of 4 stars). 7 submissions from 7 submitters: Benign (1); Likely benign (6). Last evaluated 2026-01-13.

Conditions:
Hereditary cancer-predisposing syndrome. Also called: Neoplastic Syndromes, Hereditary; Tumor predisposition; Hereditary Cancer Syndrome; Hereditary neoplastic syndrome. Identifiers: Orphanet 140162, MedGen C0027672, MeSH D009386, MONDO:0015356.
Pancreatic cancer, susceptibility to, 3. Identifiers: Orphanet 1333, MedGen C3150547, MONDO:0013236, OMIM 613348.
Fanconi anemia complementation group N. Also called: PALB2-Related Fanconi Anemia. Identifiers: Orphanet 84, MedGen C1835817, MONDO:0012565, OMIM 610832. Disease mechanism: loss of function.
Familial cancer of breast. Also called: BREAST CANCER, FAMILIAL; Hereditary breast cancer; hereditary breast carcinoma. Identifiers: Orphanet 227535, MedGen C0346153, MONDO:0016419, OMIM 114480. Disease mechanism: loss of function.

Allele frequency attached by ClinVar (database versions not stated): gnomAD 0.00001; TOPMed 0.00001; ESP Exome Variant Server 0.00008; gnomAD exomes below 0.00001; ExAC 0.00001.
gnomAD v4.1: 10 of 1,613,986 alleles (0.00062%); highest among the groups gnomAD compares: Middle Eastern, 0.016%; no homozygotes.

Submissions (7):

Labcorp Genetics (formerly Invitae), Labcorp
Classification: Likely benign for Familial cancer of breast. Last evaluated: 2026-01-13. Review status: criteria provided, single submitter. Criteria: Invitae Variant Classification Sherloc (09022015). Collection method: clinical testing. Allele origin: germline.

Myriad Genetics, Inc.
Classification: Benign for Familial cancer of breast. Last evaluated: 2025-01-10. Review status: criteria provided, single submitter. Criteria: Myriad Autosomal Dominant, Autosomal Recessive and X-Linked Classification Criteria (2023). Collection method: clinical testing. Allele origin: unknown.
Comment: This variant is considered benign. This variant is a silent/synonymous amino acid change and it is not expected to impact splicing.

Blueprint Genetics
Classification: Likely benign. Last evaluated: 2024-11-15. Review status: criteria provided, single submitter. Criteria: ACMG Guidelines, 2015. Collection method: clinical testing. Allele origin: germline.

Fulgent Genetics
Classification: Likely benign for Familial cancer of breast; Fanconi anemia complementation group N; Pancreatic cancer, susceptibility to, 3. Last evaluated: 2022-01-06. Review status: criteria provided, single submitter. Criteria: ACMG Guidelines, 2015. Collection method: clinical testing. Allele origin: unknown.

GeneDx
Classification: Likely benign. Last evaluated: 2020-08-31. Review status: criteria provided, single submitter. Criteria: GeneDx Variant Classification Process June 2021. Collection method: clinical testing. Allele origin: germline. Affected: yes.

Color Diagnostics, LLC DBA Color Health
Classification: Likely benign for Hereditary cancer-predisposing syndrome. Last evaluated: 2015-04-22. Review status: criteria provided, single submitter. Criteria: ACMG Guidelines, 2015. Collection method: clinical testing. Allele origin: germline.

Ambry Genetics
Classification: Likely benign for Hereditary cancer-predisposing syndrome. Last evaluated: 2015-03-02. Review status: criteria provided, single submitter. Criteria: Ambry Variant Classification Scheme 2023. Collection method: clinical testing. Allele origin: germline.